The following is an entry in ClinVar:

NM_024408.4(NOTCH2):c.6118G>A (p.Asp2040Asn)

Gene: NOTCH2 (notch receptor 2; minus strand). Cytogenetic location: 1p12.
Variant type: single nucleotide variant.
Coding change: c.6118G>A on transcript NM_024408.4 (MANE Select); coding-DNA position 6118, G replaced by A.
Protein change: p.Asp2040Asn; replaces aspartic acid 2040 with asparagine.
Molecular consequence: missense variant.
Genome position (GRCh38, 1-based): chr1:119,916,604, C>T on the plus strand (G>A on the coding strand, the complement: NOTCH2 is on the minus strand). VCF-style: chr1-119916604-C-T. GRCh37 (hg19) VCF-style: chr1-120459227-C-T.
Other names: short protein forms D2040N.
Identifiers: ClinVar variation 289384 (VCV000289384.14), dbSNP rs748876258, ClinGen allele CA1039488.

ClinVar aggregate classification (germline): Uncertain significance. Review status: criteria provided, multiple submitters, no conflicts (2 of 4 stars). 3 submissions from 3 submitters: Uncertain significance (3). Last evaluated 2022-03-18.

Conditions:
Hajdu-Cheney syndrome (HJCYS). Also called: SERPENTINE FIBULA-POLYCYSTIC KIDNEY SYNDROME; Acroosteolysis dominant type; ACROOSTEOLYSIS WITH OSTEOPOROSIS AND CHANGES IN SKULL AND MANDIBLE. Identifiers: Orphanet 955, MedGen C0917715, MONDO:0007057, OMIM 102500.
Alagille syndrome due to a NOTCH2 point mutation. Also called: Alagille syndrome 2. Identifiers: Orphanet 261629, Orphanet 52, MedGen C1857761, MONDO:0012439, OMIM 610205.

Allele frequency attached by ClinVar (database versions not stated): gnomAD exomes below 0.00001; TOPMed below 0.00001; ExAC 0.00001.

Submissions (3):

Labcorp Genetics (formerly Invitae), Labcorp
Classification: Uncertain significance for Hajdu-Cheney syndrome. Last evaluated: 2022-03-18. Review status: criteria provided, single submitter. Criteria: Invitae Variant Classification Sherloc (09022015). Collection method: clinical testing. Allele origin: germline.
Comment: This sequence change replaces aspartic acid, which is acidic and polar, with asparagine, which is neutral and polar, at codon 2040 of the NOTCH2 protein (p.Asp2040Asn). This variant is present in population databases (rs748876258, gnomAD 0.003%). This variant has not been reported in the literature in individuals affected with NOTCH2-related conditions. ClinVar contains an entry for this variant (Variation ID: 289384). Algorithms developed to predict the effect of missense changes on protein structure and function are either unavailable or do not agree on the potential impact of this missense change (SIFT: "Deleterious"; PolyPhen-2: "Probably Damaging"; Align-GVGD: "Class C15"). In summary, the available evidence is currently insufficient to determine the role of this variant in disease. Therefore, it has been classified as a Variant of Uncertain Significance.

Fulgent Genetics
Classification: Uncertain significance for Hajdu-Cheney syndrome; Alagille syndrome due to a NOTCH2 point mutation. Last evaluated: 2022-01-27. Review status: criteria provided, single submitter. Criteria: ACMG Guidelines, 2015. Collection method: clinical testing. Allele origin: unknown.

Eurofins Ntd Llc (ga)
Classification: Uncertain significance. Last evaluated: 2017-09-22. Review status: criteria provided, single submitter. Criteria: EGL Classification Definitions 2015. Collection method: clinical testing. Allele origin: germline. Observed: 1 variant allele, 1 heterozygote.